The following is an entry in ClinVar:

ClinVar aggregate classification (germline): Uncertain significance. Review status: criteria provided, multiple submitters, no conflicts (2 of 4 stars). 2 submissions from 2 submitters: Uncertain significance (2). Last evaluated 2022-12-28.

Conditions:
MEND syndrome (MEND). Also called: MALE EBP DISORDER WITH NEUROLOGIC DEFECTS. Identifiers: Orphanet 401973, MedGen C4085243, MONDO:0010498, OMIM 300960.

Submissions (2):

GeneDx
Classification: Uncertain significance. Last evaluated: 2022-12-28. Review status: criteria provided, single submitter. Criteria: GeneDx Variant Classification Process June 2021. Collection method: clinical testing. Allele origin: germline. Affected: yes.
Comment: Not observed at significant frequency in large population cohorts (gnomAD); In silico analysis supports that this missense variant has a deleterious effect on protein structure/function; Has not been previously published as pathogenic or benign to our knowledge

3billion
Classification: Uncertain significance for MEND syndrome. Last evaluated: 2022-03-22. Review status: criteria provided, single submitter. Criteria: ACMG Guidelines, 2015. Collection method: clinical testing. Allele origin: germline. Affected: yes. Observed: 1 hemizygote.
Comment: The variant is not observed in the gnomAD v2.1.1 dataset. In silico tool predictions suggest damaging effect of the variant on gene or gene product (REVEL: 0.94>=0.6, 3CNET: 0.992>=0.75). Therefore, this variant is classified as uncertain significance according to the recommendation of ACMG/AMP guideline.

NM_006579.3(EBP):c.556T>C (p.Trp186Arg)

Gene: EBP (EBP cholestenol delta-isomerase; plus strand). Cytogenetic location: Xp11.23.
Variant type: single nucleotide variant.
Coding change: c.556T>C on transcript NM_006579.3 (MANE Select); coding-DNA position 556, T replaced by C.
Protein change: p.Trp186Arg; replaces tryptophan 186 with arginine.
Molecular consequence: missense variant.
Genome position (GRCh38, 1-based): chrX:48,528,320, T>C. VCF-style: chrX-48528320-T-C. GRCh37 (hg19) VCF-style: chrX-48386708-T-C.
Other names: c.556T>C (NM_006579.2); short protein forms W186R.
Identifiers: ClinVar variation 1526120 (VCV001526120.2), dbSNP rs2147157059, ClinGen allele CA412853045.
Genomic context (GRCh38, chrX:48,528,320, plus strand): 5'-TTCCTGACAGAGCACCGCGACGGATTCCAGCACGGAGAGCTGGGCCACCCTCTCTACTTC[T>C]GGTTTTACTTTGTCTTCATGAATGCCCTGTGGCTGGTGCTGCCTGGAGTCCTTGTGCTTG-3'
Protein context (NP_006570.1, residues 176-196): HGELGHPLYF[Trp186Arg]FYFVFMNALW